The following is an entry in ClinVar:

ClinVar aggregate classification (germline): Uncertain significance (1 of 4 stars; one submission).

Allele frequency attached by ClinVar (database versions not stated): gnomAD 0.00001; gnomAD exomes 0.00003 and 0.00005; ExAC 0.00004; TOPMed 0.00004.
gnomAD v4.1: 48 of 1,611,822 alleles (0.003%); highest among the groups gnomAD compares: South Asian, 0.0055%; no homozygotes.

Submission:

Labcorp Genetics (formerly Invitae), Labcorp
Classification: Uncertain significance. Last evaluated: 2022-10-25. Review status: criteria provided, single submitter. Criteria: Invitae Variant Classification Sherloc (09022015). Collection method: clinical testing. Allele origin: germline.
Comment: This sequence change replaces arginine, which is basic and polar, with glutamine, which is neutral and polar, at codon 121 of the PISD protein (p.Arg121Gln). This variant is present in population databases (rs752423696, gnomAD 0.03%). In summary, the available evidence is currently insufficient to determine the role of this variant in disease. Therefore, it has been classified as a Variant of Uncertain Significance. Algorithms developed to predict the effect of sequence changes on RNA splicing suggest that this variant may create or strengthen a splice site. Advanced modeling of protein sequence and biophysical properties (such as structural, functional, and spatial information, amino acid conservation, physicochemical variation, residue mobility, and thermodynamic stability) has been performed at Invitae for this missense variant, however the output from this modeling did not meet the statistical confidence thresholds required to predict the impact of this variant on PISD protein function. ClinVar contains an entry for this variant (Variation ID: 1497731). This variant has not been reported in the literature in individuals affected with PISD-related conditions.

NM_001326411.2(PISD):c.362G>A (p.Arg121Gln)

Gene: PISD (phosphatidylserine decarboxylase; minus strand). Cytogenetic location: 22q12.2.
Variant type: single nucleotide variant.
Coding change: c.362G>A on transcript NM_001326411.2 (MANE Select); coding-DNA position 362, G replaced by A.
Protein change: p.Arg121Gln; replaces arginine 121 with glutamine.
Molecular consequence: missense variant. On other transcripts: intron variant (1).
Genome position (GRCh38, 1-based): chr22:31,621,845, C>T on the plus strand (G>A on the coding strand, the complement: PISD is on the minus strand). VCF-style: chr22-31621845-C-T. GRCh37 (hg19) VCF-style: chr22-32017831-C-T.
Other names: c.299G>A, p.Arg100Gln (NM_001326413.2, NM_001326414.2); c.260G>A, p.Arg87Gln (NM_001326415.2, NM_001326416.2, NM_001326417.2 and 3 more transcripts); c.182G>A, p.Arg61Gln (NM_001326418.2, NM_001326420.2); c.362G>A, p.Arg121Gln (NM_001326421.1); c.322-23G>A (NM_001326412.1); short protein forms R100Q, R121Q, R87Q, R61Q.
Identifiers: ClinVar variation 1497731 (VCV001497731.6), dbSNP rs752423696, ClinGen allele CA10194819.
Genomic context (GRCh38, chr22:31,621,845, plus strand): 5'-CTGTAGACGGGCCTGCGCAGCCAGTGTGGCAGCTCCACCTGATTGAGGCGACCCCAGGCC[C>T]GTGACAGCAAGCGCGTTGGCACTGACTTGTACAAAGCCACCTGCAGGCCACAGGGCAAGG-3'
Protein context (NP_001313340.1, residues 111-131): YKSVPTRLLS[Arg121Gln]AWGRLNQVEL